The following is an entry in ClinVar:

ClinVar aggregate classification (germline): Pathogenic (1 of 4 stars; one submission).

Conditions:
Pyruvate dehydrogenase E2 deficiency (PDHDD). Also called: Dihydrolipoamide Acetyltransferase (E2) Deficiency; LACTIC ACIDEMIA DUE TO DEFECT OF E2 LIPOYL TRANSACETYLASE OF THE PYRUVATE DEHYDROGENASE COMPLEX. Identifiers: Orphanet 765, Orphanet 79244, MedGen C1855565, MONDO:0009502, OMIM 245348.

Submission:

Labcorp Genetics (formerly Invitae), Labcorp
Classification: Pathogenic for Pyruvate dehydrogenase E2 deficiency. Last evaluated: 2024-01-24. Review status: criteria provided, single submitter. Criteria: Invitae Variant Classification Sherloc (09022015). Collection method: clinical testing. Allele origin: germline.
Comment: This variant is a gross deletion of the genomic region encompassing exon(s) 1-4 of the DLAT gene, which includes the initiator codon. This deletion extends beyond the assayed region for this gene and therefore may encompass additional genes. It is expected to result in an absent or disrupted protein product. Loss-of-function variants in DLAT are known to be pathogenic (PMID: 20022530, 23021068). This variant has not been reported in the literature in individuals affected with DLAT-related conditions. For these reasons, this variant has been classified as Pathogenic.

Literature cited by the submitters: PubMed 20022530; PubMed 23021068.

NC_000011.9:g.(?_111896197)_(111899689_?)del

Gene: DLAT (dihydrolipoamide S-acetyltransferase; plus strand). Cytogenetic location: 11q23.1.
Variant type: Deletion.
Identifiers: ClinVar variation 2424324 (VCV002424324.4).